The following is an entry in ClinVar:

NM_001135254.2(PAX7):c.89C>A (p.Ser30Tyr)

Gene: PAX7 (paired box 7; plus strand). Cytogenetic location: 1p36.13.
Variant type: single nucleotide variant.
Coding change: c.89C>A on transcript NM_001135254.2 (MANE Select); coding-DNA position 89, C replaced by A.
Protein change: p.Ser30Tyr; replaces serine 30 with tyrosine.
Molecular consequence: missense variant.
Genome position (GRCh38, 1-based): chr1:18,634,306, C>A. VCF-style: chr1-18634306-C-A. GRCh37 (hg19) VCF-style: chr1-18960800-C-A.
Other names: c.89C>A, p.Ser30Tyr (NM_002584.3, NM_013945.3); short protein forms S30Y.
Identifiers: ClinVar variation 4994566 (VCV004994566.1).

ClinVar aggregate classification (germline): Uncertain significance (1 of 4 stars; one submission).

Conditions:
PAX7-related disorder. Also called: PAX7-related condition.

Submission:

PreventionGenetics, part of Exact Sciences
Classification: Uncertain significance for PAX7-related condition. Last evaluated: 2026-09-09. Review status: criteria provided, single submitter. Criteria: ACMG Guidelines, 2015. Collection method: clinical testing. Allele origin: germline.
Comment: The PAX7 c.89C>A variant is predicted to result in the amino acid substitution p.Ser30Tyr. To our knowledge, this variant has not been reported in the literature or in a large population database (gnomAD), indicating this variant is rare. At this time, the clinical significance of this variant is uncertain due to the absence of conclusive functional and genetic evidence.